The following is an entry in ClinVar:

ClinVar aggregate classification (germline): Uncertain significance (1 of 4 stars; one submission).

Conditions:
Renal cell carcinoma. Identifiers: Orphanet 217071, MedGen C0007134, MeSH D002292, MONDO:0005086, HP:0005584.

Submission:

Labcorp Genetics (formerly Invitae), Labcorp
Classification: Uncertain significance for Renal cell carcinoma. Last evaluated: 2022-07-28. Review status: criteria provided, single submitter. Criteria: Invitae Variant Classification Sherloc (09022015). Collection method: clinical testing. Allele origin: germline.
Comment: In summary, the available evidence is currently insufficient to determine the role of this variant in disease. Therefore, it has been classified as a Variant of Uncertain Significance. Algorithms developed to predict the effect of missense changes on protein structure and function are either unavailable or do not agree on the potential impact of this missense change (SIFT: "Deleterious"; PolyPhen-2: "Probably Damaging"; Align-GVGD: "Class C0"). This variant has not been reported in the literature in individuals affected with MET-related conditions. This variant is not present in population databases (gnomAD no frequency). This sequence change replaces leucine, which is neutral and non-polar, with arginine, which is basic and polar, at codon 682 of the MET protein (p.Leu682Arg).

NM_000245.4(MET):c.2045T>G (p.Leu682Arg)

Gene: MET (MET proto-oncogene, receptor tyrosine kinase; plus strand). Cytogenetic location: 7q31.2.
Variant type: single nucleotide variant.
Coding change: c.2045T>G on transcript NM_000245.4 (MANE Select); coding-DNA position 2045, T replaced by G.
Protein change: p.Leu682Arg; replaces leucine 682 with arginine.
Molecular consequence: missense variant.
Genome position (GRCh38, 1-based): chr7:116,757,717, T>G. VCF-style: chr7-116757717-T-G. GRCh37 (hg19) VCF-style: chr7-116397771-T-G.
Other names: c.2045T>G, p.Leu682Arg (NM_001127500.3, NM_001324401.3); c.755T>G, p.Leu252Arg (NM_001324402.2); short protein forms L682R, L252R.
Identifiers: ClinVar variation 1987931 (VCV001987931.4), dbSNP rs2485713935, ClinGen allele CA368979926.